The following is an entry in ClinVar:

NM_002473.6(MYH9):c.2221G>A (p.Val741Met)

Gene: MYH9 (myosin heavy chain 9; minus strand). Cytogenetic location: 22q12.3.
Variant type: single nucleotide variant.
Coding change: c.2221G>A on transcript NM_002473.6 (MANE Select); coding-DNA position 2221, G replaced by A.
Protein change: p.Val741Met; replaces valine 741 with methionine.
Molecular consequence: missense variant.
Genome position (GRCh38, 1-based): chr22:36,305,041, C>T on the plus strand (G>A on the coding strand, the complement: MYH9 is on the minus strand). VCF-style: chr22-36305041-C-T. GRCh37 (hg19) VCF-style: chr22-36701087-C-T.
Other names: short protein forms V741M.
Identifiers: ClinVar variation 3017619 (VCV003017619.6), dbSNP rs140032888, ClinGen allele CA10210049.

ClinVar aggregate classification (germline): Conflicting classifications of pathogenicity. Review status: criteria provided, conflicting classifications (1 of 4 stars). 4 submissions from 4 submitters: Uncertain significance (2); Likely benign (1). 1 of the submissions does not count toward it. Last evaluated 2026-03-10.

Conditions:
MYH9-related disorder. Identifiers: MedGen C1854520.

Allele frequency attached by ClinVar (database versions not stated): TOPMed 0.00004; ExAC 0.00006; gnomAD 0.00007; ESP Exome Variant Server 0.00015; 1000 Genomes Project 30x 0.00031; 1000 Genomes Project 0.00040.
gnomAD v4.1: 114 of 1,613,896 alleles (0.0071%); highest among the groups gnomAD compares: Non-Finnish European, 0.0092%; 1 homozygote.

Submissions (4):

Women's Health and Genetics/Laboratory Corporation of America, LabCorp
Classification: Uncertain significance. Last evaluated: 2026-03-10. Review status: criteria provided, single submitter. Criteria: LabCorp Variant Classification Summary - May 2015. Collection method: clinical testing. Allele origin: germline.
Comment: Variant summary: MYH9 c.2221G>A (p.Val741Met) results in a conservative amino acid change in the encoded protein sequence. Algorithms developed to predict the effect of missense changes on protein structure and function are either unavailable or do not agree on the potential impact of this missense change. The variant allele was found at a frequency of 4e-05 in 251104 control chromosomes. This frequency is not significantly higher than estimated for disease-causing variants in MYH9, allowing no conclusion about variant significance. To our knowledge, no occurrence of c.2221G>A in individuals affected with MYH9-related conditions and no experimental evidence demonstrating its impact on protein function have been reported. ClinVar contains an entry for this variant (Variation ID: 3017619). Based on the evidence outlined above, the variant was classified as uncertain significance.

Labcorp Genetics (formerly Invitae), Labcorp
Classification: Uncertain significance. Last evaluated: 2025-07-19. Review status: criteria provided, single submitter. Criteria: Invitae Variant Classification Sherloc (09022015). Collection method: clinical testing. Allele origin: germline.
Comment: This sequence change replaces valine, which is neutral and non-polar, with methionine, which is neutral and non-polar, at codon 741 of the MYH9 protein (p.Val741Met). This variant is present in population databases (rs140032888, gnomAD 0.008%). This variant has not been reported in the literature in individuals affected with MYH9-related conditions. ClinVar contains an entry for this variant (Variation ID: 3017619). Invitae Evidence Modeling of protein sequence and biophysical properties (such as structural, functional, and spatial information, amino acid conservation, physicochemical variation, residue mobility, and thermodynamic stability) indicates that this missense variant is not expected to disrupt MYH9 protein function with a negative predictive value of 95%. In summary, the available evidence is currently insufficient to determine the role of this variant in disease. Therefore, it has been classified as a Variant of Uncertain Significance.

Blueprint Genetics
Classification: Likely benign. Last evaluated: 2022-11-01. Review status: criteria provided, single submitter. Criteria: ACMG Guidelines, 2015. Collection method: clinical testing. Allele origin: germline.

PreventionGenetics, part of Exact Sciences
Classification: Uncertain significance for MYH9-related condition. Last evaluated: 2024-07-10. Review status: no assertion criteria provided. Collection method: clinical testing. Allele origin: germline. Not counted in ClinVar's aggregate classification.
Comment: The MYH9 c.2221G>A variant is predicted to result in the amino acid substitution p.Val741Met. To our knowledge, this variant has not been reported in the literature. This variant is reported in 0.0088% of alleles in individuals of European (Non-Finnish) descent in gnomAD. Although we suspect that this variant may be benign, at this time, the clinical significance of this variant is uncertain due to the absence of conclusive functional and genetic evidence.